The following is an entry in ClinVar:

ClinVar aggregate classification (germline): Benign/Likely benign. Review status: criteria provided, multiple submitters, no conflicts (2 of 4 stars). 2 submissions from 2 submitters: Benign (1); Likely benign (1). Last evaluated 2026-08-01.

Allele frequency attached by ClinVar (database versions not stated): gnomAD 0.00248; TOPMed 0.00272; 1000 Genomes Project 0.00280; ESP Exome Variant Server 0.00300; 1000 Genomes Project 30x 0.00312.
gnomAD v4.1: 741 of 1,601,348 alleles (0.046%); highest among the groups gnomAD compares: African/African-American, 0.85%; no homozygotes.

Submissions (2):

CeGaT Center for Human Genetics Tuebingen
Classification: Likely benign. Last evaluated: 2026-08-01. Review status: criteria provided, single submitter. Criteria: CeGaT Center For Human Genetics Tuebingen Variant Classification Criteria Version 2. Collection method: clinical testing. Allele origin: germline. Affected: yes. Observed: 2 variant alleles.
Comment: DHX37: BP4, BP7

Labcorp Genetics (formerly Invitae), Labcorp
Classification: Benign. Last evaluated: 2025-10-18. Review status: criteria provided, single submitter. Criteria: Invitae Variant Classification Sherloc (09022015). Collection method: clinical testing. Allele origin: germline.

NM_032656.4(DHX37):c.573T>C (p.Gly191=)

Gene: DHX37 (DEAH-box helicase 37; minus strand). Cytogenetic location: 12q24.31.
Variant type: single nucleotide variant.
Coding change: c.573T>C on transcript NM_032656.4 (MANE Select); coding-DNA position 573, T replaced by C.
Protein change: p.Gly191=; no amino-acid change (glycine 191 retained).
Molecular consequence: synonymous variant.
Genome position (GRCh38, 1-based): chr12:124,980,655, A>G on the plus strand (T>C on the coding strand, the complement: DHX37 is on the minus strand). VCF-style: chr12-124980655-A-G. GRCh37 (hg19) VCF-style: chr12-125465201-A-G.
Identifiers: ClinVar variation 2038782 (VCV002038782.10), dbSNP rs150112271, ClinGen allele CA6872409.